The following is an entry in ClinVar:

ClinVar aggregate classification (germline): Uncertain significance. Review status: criteria provided, multiple submitters, no conflicts (2 of 4 stars). 2 submissions from 2 submitters: Uncertain significance (2). Last evaluated 2025-03-20.

Conditions:
Inborn genetic diseases. Identifiers: MedGen C0950123, MeSH D030342.

Allele frequency attached by ClinVar (database versions not stated): TOPMed below 0.00001; ExAC 0.00001; gnomAD 0.00001; gnomAD exomes 0.00001.
gnomAD v4.1: 22 of 1,614,076 alleles (0.0014%); highest among the groups gnomAD compares: Non-Finnish European, 0.0018%; no homozygotes.

Submissions (2):

Ambry Genetics
Classification: Uncertain significance for Inborn genetic diseases. Last evaluated: 2025-03-20. Review status: criteria provided, single submitter. Criteria: Ambry Variant Classification Scheme 2023. Collection method: clinical testing. Allele origin: germline.

Labcorp Genetics (formerly Invitae), Labcorp
Classification: Uncertain significance. Last evaluated: 2021-05-19. Review status: criteria provided, single submitter. Criteria: Invitae Variant Classification Sherloc (09022015). Collection method: clinical testing. Allele origin: germline.
Comment: This sequence change replaces tyrosine with cysteine at codon 1775 of the MTOR protein (p.Tyr1775Cys). The tyrosine residue is moderately conserved and there is a large physicochemical difference between tyrosine and cysteine. In summary, the available evidence is currently insufficient to determine the role of this variant in disease. Therefore, it has been classified as a Variant of Uncertain Significance. Advanced modeling of protein sequence and biophysical properties (such as structural, functional, and spatial information, amino acid conservation, physicochemical variation, residue mobility, and thermodynamic stability) performed at Invitae indicates that this missense variant is expected to disrupt MTOR protein function. This variant has not been reported in the literature in individuals with MTOR-related conditions. This variant is present in population databases (rs747803953, ExAC 0.001%).

NM_004958.4(MTOR):c.5324A>G (p.Tyr1775Cys)

Gene: MTOR (mechanistic target of rapamycin kinase; minus strand). Cytogenetic location: 1p36.22.
Variant type: single nucleotide variant.
Coding change: c.5324A>G on transcript NM_004958.4 (MANE Select); coding-DNA position 5324, A replaced by G.
Protein change: p.Tyr1775Cys; replaces tyrosine 1775 with cysteine.
Molecular consequence: missense variant.
Genome position (GRCh38, 1-based): chr1:11,133,120, T>C on the plus strand (A>G on the coding strand, the complement: MTOR is on the minus strand). VCF-style: chr1-11133120-T-C. GRCh37 (hg19) VCF-style: chr1-11193177-T-C.
Other names: c.5324A>G (NM_004958.3); c.5324A>G, p.Tyr1775Cys (NM_001386500.1); c.4076A>G, p.Tyr1359Cys (NM_001386501.1); short protein forms Y1359C, Y1775C.
Identifiers: ClinVar variation 1501816 (VCV001501816.9), dbSNP rs747803953, ClinGen allele CA589379.